The following is an entry in ClinVar:

ClinVar aggregate classification (germline): Conflicting classifications of pathogenicity. Review status: criteria provided, conflicting classifications (1 of 4 stars). 3 submissions from 3 submitters: Uncertain significance (2); Likely benign (1). Last evaluated 2024-10-26.

Conditions:
Hereditary cancer-predisposing syndrome. Also called: Tumor predisposition; Hereditary Cancer Syndrome; Hereditary neoplastic syndrome; Neoplastic Syndromes, Hereditary. Identifiers: Orphanet 140162, MedGen C0027672, MeSH D009386, MONDO:0015356.
Hereditary breast ovarian cancer syndrome. Also called: Hereditary breast and ovarian cancer; Hereditary breast and ovarian cancer syndrome; Breast and ovarian cancer; BRCA1- and BRCA2-Associated Hereditary Breast and Ovarian Cancer; Hereditary breast and/or ovarian cancer syndrome; Hereditary breast and ovarian cancer syndrome (HBOC). Identifiers: Orphanet 145, MedGen C0677776, MeSH D061325, MONDO:0003582. Disease mechanism: loss of function.

Allele frequency attached by ClinVar (database versions not stated): gnomAD exomes below 0.00001; TOPMed below 0.00001; ExAC 0.00001.

Submissions (3):

Ambry Genetics
Classification: Uncertain significance for Hereditary cancer-predisposing syndrome. Last evaluated: 2024-10-26. Review status: criteria provided, single submitter. Criteria: Ambry Variant Classification Scheme 2023. Collection method: clinical testing. Allele origin: germline.
Comment: The p.P529S variant (also known as c.1585C>T), located in coding exon 9 of the BRCA1 gene, results from a C to T substitution at nucleotide position 1585. The proline at codon 529 is replaced by serine, an amino acid with similar properties. This variant was observed in a study of 1010 unrelated Indian patients who underwent testing for an indication of breast and/or ovarian cancers (Singh J et al. Breast Cancer Res Treat, 2018 Jul;170:189-196). This amino acid position is well conserved in available vertebrate species. In addition, the in silico prediction for this alteration is inconclusive. Based on the available evidence, the clinical significance of this variant remains unclear.

University of Washington Department of Laboratory Medicine, University of Washington
Classification: Likely benign for Hereditary cancer-predisposing syndrome. Last evaluated: 2023-03-23. Review status: criteria provided, single submitter. Criteria: Dines et al. (Genet Med. 2020). Collection method: curation. Allele origin: germline.
Comment: Missense variant in a coldspot region where missense variants are very unlikely to be pathogenic (PMID:31911673).

BRCA1 coldspot (exon 11 using historical exon numbering). Reclassification based on statistical prior probability

Labcorp Genetics (formerly Invitae), Labcorp
Classification: Uncertain significance for Hereditary breast ovarian cancer syndrome. Last evaluated: 2021-09-29. Review status: criteria provided, single submitter. Criteria: Invitae Variant Classification Sherloc (09022015). Collection method: clinical testing. Allele origin: germline.
Comment: This variant is present in population databases (rs769380445, ExAC 0.006%). In summary, the available evidence is currently insufficient to determine the role of this variant in disease. Therefore, it has been classified as a Variant of Uncertain Significance. Advanced modeling of protein sequence and biophysical properties (such as structural, functional, and spatial information, amino acid conservation, physicochemical variation, residue mobility, and thermodynamic stability) performed at Invitae indicates that this missense variant is not expected to disrupt BRCA1 protein function. This missense change has been observed in individual(s) with a personal or family history of breast and/or ovarian cancer (PMID: 29470806). This sequence change replaces proline with serine at codon 529 of the BRCA1 protein (p.Pro529Ser). The proline residue is moderately conserved and there is a moderate physicochemical difference between proline and serine.

Literature cited by the submitters: PubMed 29470806 (cited by Ambry Genetics and Labcorp Genetics (formerly Invitae), Labcorp).

NM_007294.4(BRCA1):c.1585C>T (p.Pro529Ser)

Gene: BRCA1 (BRCA1 DNA repair associated; minus strand). Cytogenetic location: 17q21.31.
Variant type: single nucleotide variant.
Coding change: c.1585C>T on transcript NM_007294.4 (MANE Select); coding-DNA position 1585, C replaced by T.
Protein change: p.Pro529Ser; replaces proline 529 with serine.
Molecular consequence: missense variant. On other transcripts: intron variant (137).
Genome position (GRCh38, 1-based): chr17:43,093,946, G>A on the plus strand (C>T on the coding strand, the complement: BRCA1 is on the minus strand). VCF-style: chr17-43093946-G-A. GRCh37 (hg19) VCF-style: chr17-41245963-G-A.
Other names: c.1372C>T, p.Pro458Ser (NM_001407571.1, NM_001407853.1, NM_001407894.1 and 9 more transcripts); c.1585C>T, p.Pro529Ser (NM_001407581.1, NM_001407582.1, NM_001407583.1 and 30 more transcripts); c.1582C>T, p.Pro528Ser (NM_001407587.1, NM_001407590.1, NM_001407591.1 and 22 more transcripts); c.1576C>T, p.Pro526Ser (NM_001407646.1, NM_001407647.1); c.1462C>T, p.Pro488Ser (NM_001407648.1, NM_001407664.1, NM_001407665.1 and 19 more transcripts); c.1459C>T, p.Pro487Ser (NM_001407649.1, NM_001407670.1, NM_001407671.1 and 11 more transcripts); c.1507C>T, p.Pro503Ser (NM_001407653.1, NM_001407654.1, NM_001407655.1 and 4 more transcripts); c.1504C>T, p.Pro502Ser (NM_001407659.1, NM_001407660.1, NM_001407661.1 and 1 more transcripts); and 40 more; short protein forms P529S, P482S, P361S, P417S, P418S, P441S, P233S, P459S.
Identifiers: ClinVar variation 1443073 (VCV001443073.10), dbSNP rs769380445, ClinGen allele CA057397.